The following is an entry in ClinVar:

NC_000002.11:g.(?_97462729)_(97475254_?)dup

Gene: CNNM4 (cyclin and CBS domain divalent metal cation transport mediator 4; plus strand). Cytogenetic location: 2q11.2.
Variant type: Duplication.
Identifiers: ClinVar variation 2426525 (VCV002426525.4).

ClinVar aggregate classification (germline): Uncertain significance (1 of 4 stars; one submission).

Submission:

Labcorp Genetics (formerly Invitae), Labcorp
Classification: Uncertain significance. Last evaluated: 2022-09-19. Review status: criteria provided, single submitter. Criteria: Invitae Variant Classification Sherloc (09022015). Collection method: clinical testing. Allele origin: germline.
Comment: In summary, the available evidence is currently insufficient to determine the role of this variant in disease. Therefore, it has been classified as a Variant of Uncertain Significance. Experimental studies and prediction algorithms are not available or were not evaluated, and the functional significance of this variant is currently unknown. This variant has not been reported in the literature in individuals affected with CNNM4-related conditions. This variant results in a copy number gain of the genomic region encompassing exon(s) 2-7 of the CNNM4 gene. This region includes the termination codon of the gene. This copy number gain extends beyond the assayed region for this gene and therefore may encompass additional genes. As the precise location of this event is unknown, it may be in tandem or it may be located elsewhere in the genome.